The following is an entry in ClinVar:

ClinVar aggregate classification (germline): Uncertain significance. Review status: criteria provided, multiple submitters, no conflicts (2 of 4 stars). 2 submissions from 2 submitters: Uncertain significance (2). Last evaluated 2025-11-23.

Conditions:
Hereditary cancer-predisposing syndrome. Also called: Hereditary neoplastic syndrome; Hereditary Cancer Syndrome; Tumor predisposition; Neoplastic Syndromes, Hereditary. Identifiers: Orphanet 140162, MedGen C0027672, MeSH D009386, MONDO:0015356.
Hereditary pheochromocytoma and paraganglioma. Also called: Hereditary pheochromocytoma-paraganglioma; Hereditary Paraganglioma-Pheochromocytoma Syndromes; Hereditary paragangliomas and pheochromocytomas. Identifiers: Orphanet 29072, MedGen C4274332, MONDO:0017366.

Allele frequency attached by ClinVar (database versions not stated): TOPMed below 0.00001; gnomAD exomes 0.00001.
gnomAD v4.1: 3 of 1,614,120 alleles (0.00019%); highest among the groups gnomAD compares: Admixed American, 0.005%; no homozygotes.

Submissions (2):

Labcorp Genetics (formerly Invitae), Labcorp
Classification: Uncertain significance for Hereditary pheochromocytoma and paraganglioma. Last evaluated: 2025-11-23. Review status: criteria provided, single submitter. Criteria: Invitae Variant Classification Sherloc (09022015). Collection method: clinical testing. Allele origin: germline.
Comment: This sequence change replaces methionine, which is neutral and non-polar, with leucine, which is neutral and non-polar, at codon 214 of the TMEM127 protein (p.Met214Leu). This variant is present in population databases (no rsID available, gnomAD 0.009%). This variant has not been reported in the literature in individuals affected with TMEM127-related conditions. ClinVar contains an entry for this variant (Variation ID: 968727). An algorithm developed to predict the effect of missense changes on protein structure and function (PolyPhen-2) suggests that this variant is likely to be disruptive. In summary, the available evidence is currently insufficient to determine the role of this variant in disease. Therefore, it has been classified as a Variant of Uncertain Significance.

Ambry Genetics
Classification: Uncertain significance for Hereditary cancer-predisposing syndrome. Last evaluated: 2022-09-28. Review status: criteria provided, single submitter. Criteria: Ambry Variant Classification Scheme 2023. Collection method: clinical testing. Allele origin: germline.
Comment: The p.M214L variant (also known as c.640A>T), located in coding exon 3 of the TMEM127 gene, results from an A to T substitution at nucleotide position 640. The methionine at codon 214 is replaced by leucine, an amino acid with highly similar properties. This amino acid position is conserved. In addition, the in silico prediction for this alteration is inconclusive. Since supporting evidence is limited at this time, the clinical significance of this alteration remains unclear.

NM_017849.4(TMEM127):c.640A>T (p.Met214Leu)

Gene: TMEM127 (transmembrane protein 127; minus strand). Cytogenetic location: 2q11.2.
Variant type: single nucleotide variant.
Coding change: c.640A>T on transcript NM_017849.4 (MANE Select); coding-DNA position 640, A replaced by T.
Protein change: p.Met214Leu; replaces methionine 214 with leucine.
Molecular consequence: missense variant.
Genome position (GRCh38, 1-based): chr2:96,253,885, T>A on the plus strand (A>T on the coding strand, the complement: TMEM127 is on the minus strand). VCF-style: chr2-96253885-T-A. GRCh37 (hg19) VCF-style: chr2-96919623-T-A.
Other names: c.640A>T, p.Met214Leu (NM_001193304.3); short protein forms M214L.
Identifiers: ClinVar variation 968727 (VCV000968727.11), dbSNP rs1239484250, ClinGen allele CA347651704.